The following is an entry in ClinVar:

NM_000052.7(ATP7A):c.3112-12_3197dup

Gene: ATP7A (ATPase copper transporting alpha; plus strand). Cytogenetic location: Xq21.1.
Variant type: Duplication.
Coding change: c.3112-12_3197dup on transcript NM_000052.7 (MANE Select); 12 bases into the intron before coding-DNA position 3112 through coding-DNA position 3197, 98 bases duplicated.
Molecular consequence: splice acceptor variant.
Genome position (GRCh38, 1-based): chrX:78,031,388-78,031,485, 98 bases duplicated. GRCh37 (hg19): chrX:77,286,886-77,286,983.
Other names: c.2878-12_2963dup (NM_001282224.2).
Identifiers: ClinVar variation 4786064 (VCV004786064.1).

ClinVar aggregate classification (germline): Uncertain significance (1 of 4 stars; one submission).

Conditions:
Menkes kinky-hair syndrome (MNK). Also called: Menkes Disease; Copper transport disease; Classic Menkes Disease. Identifiers: Orphanet 565, MedGen C0022716, MONDO:0010651, OMIM 309400.
Cutis laxa, X-linked (OHS). Also called: EDS IX; Occipital horn syndrome. Identifiers: Orphanet 198, MedGen C0268353, MONDO:0010572, OMIM 304150.
X-linked distal spinal muscular atrophy type 3. Also called: ATP7A-Related Distal Motor Neuropathy; SPINAL MUSCULAR ATROPHY, DISTAL, X-LINKED RECESSIVE; NEURONOPATHY, DISTAL HEREDITARY MOTOR, X-LINKED; NEUROPATHY, DISTAL HEREDITARY MOTOR, X-LINKED. Identifiers: Orphanet 139557, MedGen C1845359, MONDO:0010338, OMIM 300489.

Submission:

Labcorp Genetics (formerly Invitae), Labcorp
Classification: Uncertain significance for X-linked distal spinal muscular atrophy type 3; Cutis laxa, X-linked; Menkes kinky-hair syndrome. Last evaluated: 2025-09-04. Review status: criteria provided, single submitter. Criteria: Invitae Variant Classification Sherloc (09022015). Collection method: clinical testing. Allele origin: germline.
Comment: This sequence change falls in intron 15 of the ATP7A gene. It does not directly change the encoded amino acid sequence of the ATP7A protein. This variant is not present in population databases (gnomAD no frequency). This variant has not been reported in the literature in individuals affected with ATP7A-related conditions. Experimental studies and prediction algorithms are not available or were not evaluated, and the effect of this variant on mRNA splicing is currently unknown. In summary, the available evidence is currently insufficient to determine the role of this variant in disease. Therefore, it has been classified as a Variant of Uncertain Significance.